The following is an entry in ClinVar:

NM_005006.7(NDUFS1):c.154-10_154-9dup

Gene: NDUFS1 (NADH:ubiquinone oxidoreductase core subunit S1; minus strand). Cytogenetic location: 2q33.3.
Variant type: Duplication.
Coding change: c.154-10_154-9dup on transcript NM_005006.7 (MANE Select); 10 bases into the intron before coding-DNA position 154 through 9 bases into the intron before coding-DNA position 154, 2 bases duplicated (TT; older notation c.154-10_154-9dupTT).
Molecular consequence: intron variant.
Genome position (GRCh38, 1-based): chr2:206,149,934-206,149,935, AA duplicated on the plus strand (TT on the coding strand, the reverse complement: NDUFS1 is on the minus strand); duplicating any 2 consecutive bases within chr2:206,149,934-206,149,958 gives the same sequence; the c. name uses the placement nearest the transcript's 3' end. VCF-style (leftmost placement, unchanged base first): chr2-206149933-T-TAA. GRCh37 (hg19) VCF-style: chr2-207014657-T-TAA.
Other names: c.6-2101_6-2100dup (NM_001199982.2); c.-18-10_-18-9dup (NM_001199983.2); c.154-839_154-838dup (NM_001199981.2); c.196-10_196-9dup (NM_001199984.2).
Identifiers: ClinVar variation 3045558 (VCV003045558.2), dbSNP rs568965659, ClinGen allele CA539058577.
Genomic context (GRCh38, chr2:206,149,933, plus strand): 5'-AACCTTTCATGATAACAGAATCGAGGGATCTGCATGCCAACCTTCTCACAAGCCTAGAAG[T>TAA]AAAAAAAAAAAAAAAAAAAAAAAAAGCATTAGAATAACCTGACTTCACTGCTGTTATTGC-3'

ClinVar aggregate classification (germline): Likely benign (0 of 4 stars; one submission).

Conditions:
NDUFS1-related disorder. Also called: NDUFS1-related condition.

Submission:

PreventionGenetics, part of Exact Sciences
Classification: Likely benign for NDUFS1-related condition. Last evaluated: 2019-10-28. Review status: no assertion criteria provided. Collection method: clinical testing. Allele origin: germline.
Comment: This variant is classified as likely benign based on ACMG/AMP sequence variant interpretation guidelines (Richards et al. 2015 PMID: 25741868, with internal and published modifications).